The following is an entry in ClinVar:

ClinVar aggregate classification (germline): Pathogenic (1 of 4 stars; one submission).

Conditions:
Hereditary nonpolyposis colorectal neoplasms. Identifiers: MedGen C0009405, MeSH D003123.

Submission:

Labcorp Genetics (formerly Invitae), Labcorp
Classification: Pathogenic for Hereditary nonpolyposis colorectal neoplasms. Last evaluated: 2021-08-27. Review status: criteria provided, single submitter. Criteria: Invitae Variant Classification Sherloc (09022015). Collection method: clinical testing. Allele origin: germline.
Comment: This variant is not present in population databases (ExAC no frequency). This sequence change creates a premature translational stop signal (p.Val131Leufs*5) in the PMS2 gene. It is expected to result in an absent or disrupted protein product. Loss-of-function variants in PMS2 are known to be pathogenic (PMID: 21376568, 24362816). This variant has not been reported in the literature in individuals with PMS2-related conditions. For these reasons, this variant has been classified as Pathogenic.

Literature cited by the submitters: PubMed 21376568; PubMed 24362816.

NM_000535.7(PMS2):c.391del (p.Val131fs)

Gene: PMS2 (PMS1 homolog 2, mismatch repair system component; minus strand). Cytogenetic location: 7p22.1.
Variant type: Deletion.
Coding change: c.391del on transcript NM_000535.7 (MANE Select); coding-DNA position 391, one base deleted (G; older notation c.391delG).
Protein change: p.Val131fs; shifts the reading frame from valine 131.
Molecular consequence: frameshift variant. On other transcripts: 5 prime UTR variant (8), non-coding transcript variant (1).
Genome position (GRCh38, 1-based): chr7:6,002,599, C deleted on the plus strand (G on the coding strand, the reverse complement: PMS2 is on the minus strand); the first of 2 consecutive C bases (chr7:6,002,599-6,002,600); deleting either gives the same sequence. VCF-style (leftmost placement, unchanged base first): chr7-6002598-AC-A. GRCh37 (hg19) VCF-style: chr7-6042229-AC-A.
Other names: c.-15del (NM_001322003.2, NM_001322004.2, NM_001322005.2 and 3 more transcripts); c.391del, p.Val131fs (NM_001322006.2, NM_001322014.2); c.73del, p.Val25fs (NM_001322007.2, NM_001322008.2); c.-494del (NM_001322011.2, NM_001322012.2); c.82del, p.Val28fs (NM_001322015.2); short protein forms V131fs, V28fs, V25fs.
Identifiers: ClinVar variation 1454462 (VCV001454462.6), dbSNP rs2128818786, ClinGen allele CA2573141974.